The following is an entry in ClinVar:

ClinVar aggregate classification (germline): Uncertain significance. Review status: criteria provided, multiple submitters, no conflicts (2 of 4 stars). 2 submissions from 2 submitters: Uncertain significance (2). Last evaluated 2023-05-12.

Conditions:
Peroxisome biogenesis disorder. Identifiers: Orphanet 79189, MedGen C1832200, MONDO:0019234. Disease mechanism: loss of function.

Allele frequency attached by ClinVar (database versions not stated): TOPMed below 0.00001; ExAC 0.00001; gnomAD 0.00001; gnomAD exomes 0.00001 and 0.00002.
gnomAD v4.1: 20 of 1,613,878 alleles (0.0012%); highest among the groups gnomAD compares: South Asian, 0.0033%; no homozygotes.

Submissions (2):

Blueprint Genetics
Classification: Uncertain significance. Last evaluated: 2023-05-12. Review status: criteria provided, single submitter. Criteria: ACMG Guidelines, 2015. Collection method: clinical testing. Allele origin: germline.

Labcorp Genetics (formerly Invitae), Labcorp
Classification: Uncertain significance for Peroxisome biogenesis disorder. Last evaluated: 2021-09-01. Review status: criteria provided, single submitter. Criteria: Invitae Variant Classification Sherloc (09022015). Collection method: clinical testing. Allele origin: germline.
Comment: This sequence change replaces glycine with arginine at codon 63 of the PEX16 protein (p.Gly63Arg). The glycine residue is moderately conserved and there is a moderate physicochemical difference between glycine and arginine. This variant is present in population databases (rs754220780, ExAC 0.02%). This variant has not been reported in the literature in individuals affected with PEX16-related conditions. Algorithms developed to predict the effect of missense changes on protein structure and function (SIFT, PolyPhen-2, Align-GVGD) all suggest that this variant is likely to be tolerated. Algorithms developed to predict the effect of sequence changes on RNA splicing suggest that this variant may create or strengthen a splice site. In summary, the available evidence is currently insufficient to determine the role of this variant in disease. Therefore, it has been classified as a Variant of Uncertain Significance.

NM_004813.4(PEX16):c.187G>A (p.Gly63Arg)

Gene: PEX16 (peroxisomal biogenesis factor 16; minus strand). Cytogenetic location: 11p11.2.
Variant type: single nucleotide variant.
Coding change: c.187G>A on transcript NM_004813.4 (MANE Select); coding-DNA position 187, G replaced by A.
Protein change: p.Gly63Arg; replaces glycine 63 with arginine.
Molecular consequence: missense variant.
Genome position (GRCh38, 1-based): chr11:45,916,265, C>T on the plus strand (G>A on the coding strand, the complement: PEX16 is on the minus strand). VCF-style: chr11-45916265-C-T. GRCh37 (hg19) VCF-style: chr11-45937816-C-T.
Other names: c.187G>A, p.Gly63Arg (NM_057174.3); short protein forms G63R.
Identifiers: ClinVar variation 1044039 (VCV001044039.7), dbSNP rs754220780, ClinGen allele CA5960069.